The following is an entry in ClinVar:

NM_021224.6(ZNF462):c.633A>G (p.Ser211=)

Gene: ZNF462 (zinc finger protein 462; plus strand). Cytogenetic location: 9q31.2.
Variant type: single nucleotide variant.
Coding change: c.633A>G on transcript NM_021224.6 (MANE Select); coding-DNA position 633, A replaced by G.
Protein change: p.Ser211=; no amino-acid change (serine 211 retained).
Molecular consequence: synonymous variant.
Genome position (GRCh38, 1-based): chr9:106,924,545, A>G. VCF-style: chr9-106924545-A-G. GRCh37 (hg19) VCF-style: chr9-109686826-A-G.
Other names: c.633A>G, p.Ser211= (NM_001347997.2).
Identifiers: ClinVar variation 2659364 (VCV002659364.24), dbSNP rs149654492, ClinGen allele CA5171189.

ClinVar aggregate classification (germline): Likely benign (1 of 4 stars; one submission).

Allele frequency attached by ClinVar (database versions not stated): ExAC 0.00063; ESP Exome Variant Server 0.00161; gnomAD 0.00223; 1000 Genomes Project 30x 0.00234; 1000 Genomes Project 0.00240; TOPMed 0.00247.
gnomAD v4.1: 621 of 1,614,152 alleles (0.038%); highest among the groups gnomAD compares: African/African-American, 0.75%; 6 homozygotes.

Submission:

CeGaT Center for Human Genetics Tuebingen
Classification: Likely benign. Last evaluated: 2022-11-01. Review status: criteria provided, single submitter. Criteria: CeGaT Center For Human Genetics Tuebingen Variant Classification Criteria Version 2. Collection method: clinical testing. Allele origin: germline. Affected: yes. Observed: 1 variant allele.
Comment: ZNF462: BP4, BP7, BS2